The following is an entry in ClinVar:

NM_000843.4(GRM6):c.2003T>C (p.Leu668Pro)

Genes: GRM6 (glutamate metabotropic receptor 6; minus strand), ZNF454 (zinc finger protein 454; plus strand). Cytogenetic location: 5q35.3.
Variant type: single nucleotide variant.
Coding change: c.2003T>C on transcript NM_000843.4 (MANE Select); coding-DNA position 2003, T replaced by C.
Protein change: p.Leu668Pro; replaces leucine 668 with proline.
Molecular consequence: missense variant.
Genome position (GRCh38, 1-based): chr5:178,986,251, A>G on the plus strand (T>C on the coding strand, the complement: GRM6 is on the minus strand). VCF-style: chr5-178986251-A-G. GRCh37 (hg19) VCF-style: chr5-178413252-A-G.
Other names: short protein forms L668P.
Identifiers: ClinVar variation 636219 (VCV000636219.7), dbSNP rs777168556, ClinGen allele CA3593863.

ClinVar aggregate classification (germline): Pathogenic. Review status: criteria provided, single submitter (1 of 4 stars). 2 submissions from 2 submitters: Pathogenic (1). 1 of the submissions does not count toward it. Last evaluated 2024-05-11.

Conditions:
Congenital stationary night blindness. Also called: Early-onset non-progressive night blindness. Identifiers: Orphanet 215, MedGen C0339535, MONDO:0016293, HP:0007642.

Allele frequency attached by ClinVar (database versions not stated): TOPMed 0.00001.
gnomAD v4.1: 4 of 1,614,148 alleles (0.00025%); highest among the groups gnomAD compares: Non-Finnish European, 0.00034%; no homozygotes.

Submissions (2):

Labcorp Genetics (formerly Invitae), Labcorp
Classification: Pathogenic. Last evaluated: 2024-05-11. Review status: criteria provided, single submitter. Criteria: Invitae Variant Classification Sherloc (09022015). Collection method: clinical testing. Allele origin: germline.
Comment: This sequence change replaces leucine, which is neutral and non-polar, with proline, which is neutral and non-polar, at codon 668 of the GRM6 protein (p.Leu668Pro). This variant is present in population databases (rs777168556, gnomAD 0.0009%). This missense change has been observed in individuals with GRM6-related conditions (PMID: 30718709; Invitae). ClinVar contains an entry for this variant (Variation ID: 636219). Advanced modeling of protein sequence and biophysical properties (such as structural, functional, and spatial information, amino acid conservation, physicochemical variation, residue mobility, and thermodynamic stability) performed at Invitae indicates that this missense variant is expected to disrupt GRM6 protein function with a positive predictive value of 80%. For these reasons, this variant has been classified as Pathogenic.

Department of Clinical Genetics, Copenhagen University Hospital, Rigshospitalet
Classification: Uncertain significance for Congenital stationary night blindness. Last evaluated: 2018-04-01. Review status: no assertion criteria provided. Collection method: research. Allele origin: unknown. Affected: yes. Study: VeluxRD. Not counted in ClinVar's aggregate classification.

Literature cited by the submitters: PubMed 30718709 (cited by Labcorp Genetics (formerly Invitae), Labcorp and Department of Clinical Genetics, Copenhagen University Hospital, Rigshospitalet).